The following is an entry in ClinVar:

NM_030962.4(SBF2):c.1396-3C>G

Gene: SBF2 (SET binding factor 2; minus strand). Cytogenetic location: 11p15.4.
Variant type: single nucleotide variant.
Coding change: c.1396-3C>G on transcript NM_030962.4 (MANE Select); 3 bases into the intron before coding-DNA position 1396, C replaced by G.
Molecular consequence: intron variant.
Genome position (GRCh38, 1-based): chr11:9,968,548, G>C on the plus strand (C>G on the coding strand, the complement: SBF2 is on the minus strand). VCF-style: chr11-9968548-G-C. GRCh37 (hg19) VCF-style: chr11-9990095-G-C.
Other names: c.1267-3C>G (NM_001386342.1); c.1396-3C>G (NM_001386339.1).
Identifiers: ClinVar variation 847701 (VCV000847701.10), dbSNP rs375346684, ClinGen allele CA682491978.

ClinVar aggregate classification (germline): Uncertain significance (1 of 4 stars; one submission).

Conditions:
Charcot-Marie-Tooth disease type 4. Also called: Charcot-Marie-Tooth disease, type IV; Charcot-Marie-Tooth, Type 4. Identifiers: Orphanet 64749, MedGen C4082197, MONDO:0018995.

gnomAD v4.1: 1 of 1,610,316 alleles (0.000062%); highest among the groups gnomAD compares: Non-Finnish European, 0.000085%; no homozygotes.

Submission:

Labcorp Genetics (formerly Invitae), Labcorp
Classification: Uncertain significance for Charcot-Marie-Tooth disease type 4. Last evaluated: 2019-01-20. Review status: criteria provided, single submitter. Criteria: Invitae Variant Classification Sherloc (09022015). Collection method: clinical testing. Allele origin: germline.
Comment: In summary, the available evidence is currently insufficient to determine the role of this variant in disease. Therefore, it has been classified as a Variant of Uncertain Significance. Nucleotide substitutions within the consensus splice site are a relatively common cause of aberrant splicing (PMID: 17576681, 9536098). Algorithms developed to predict the effect of sequence changes on RNA splicing suggest that this variant may disrupt the consensus splice site, but this prediction has not been confirmed by published transcriptional studies. This variant has not been reported in the literature in individuals with SBF2-related conditions. This variant is not present in population databases (ExAC no frequency). This sequence change falls in intron 13 of the SBF2 gene. It does not directly change the encoded amino acid sequence of the SBF2 protein, but it affects a nucleotide within the consensus splice site of the intron.

Literature cited by the submitters: PubMed 17576681; PubMed 9536098.